The following is an entry in ClinVar:

NM_003738.5(PTCH2):c.3348G>A (p.Pro1116=)

Gene: PTCH2 (patched 2; minus strand). Cytogenetic location: 1p34.1.
Variant type: single nucleotide variant.
Coding change: c.3348G>A on transcript NM_003738.5 (MANE Select); coding-DNA position 3348, G replaced by A.
Protein change: p.Pro1116=; no amino-acid change (proline 1116 retained).
Molecular consequence: synonymous variant.
Genome position (GRCh38, 1-based): chr1:44,823,078, C>T on the plus strand (G>A on the coding strand, the complement: PTCH2 is on the minus strand). VCF-style: chr1-44823078-C-T. GRCh37 (hg19) VCF-style: chr1-45288750-C-T.
Other names: c.3348G>A, p.Pro1116= (NM_001166292.2).
Identifiers: ClinVar variation 453939 (VCV000453939.15), dbSNP rs576830052, ClinGen allele CA822722.

ClinVar aggregate classification (germline): Likely benign. Review status: criteria provided, multiple submitters, no conflicts (2 of 4 stars). 3 submissions from 3 submitters: Likely benign (2). 1 of the submissions does not count toward it. Last evaluated 2025-07-13.

Conditions:
Gorlin syndrome. Also called: Basal cell nevus syndrome; Nevoid Basal Cell Carcinoma Syndrome. Identifiers: Orphanet 377, MedGen C0004779, MONDO:0007187.
PTCH2-related disorder. Also called: PTCH2-related condition; PTCH2-related disease.
Basal cell carcinoma, susceptibility to, 1. Also called: BCC1. Identifiers: MedGen C2751544, MONDO:0011556, OMIM 605462.

Allele frequency attached by ClinVar (database versions not stated): gnomAD 0.00001 and 0.00002; gnomAD exomes 0.00002 and 0.00006; ExAC 0.00004; TOPMed 0.00011; 1000 Genomes Project 30x 0.00016; 1000 Genomes Project 0.00020.
gnomAD v4.1: 33 of 1,613,048 alleles (0.002%); highest among the groups gnomAD compares: Admixed American, 0.018%; no homozygotes.

Submissions (3):

Labcorp Genetics (formerly Invitae), Labcorp
Classification: Likely benign for Gorlin syndrome. Last evaluated: 2025-07-13. Review status: criteria provided, single submitter. Criteria: Invitae Variant Classification Sherloc (09022015). Collection method: clinical testing. Allele origin: germline.

KCCC/NGS Laboratory, Kuwait Cancer Control Center
Classification: Likely benign for Basal cell carcinoma, susceptibility to, 1. Last evaluated: 2023-07-07. Review status: criteria provided, single submitter. Criteria: ACMG Guidelines, 2015. Collection method: clinical testing. Allele origin: germline. Affected: yes.

PreventionGenetics, part of Exact Sciences
Classification: Likely benign for PTCH2-related condition. Last evaluated: 2022-04-15. Review status: no assertion criteria provided. Collection method: clinical testing. Allele origin: germline. Not counted in ClinVar's aggregate classification.
Comment: This variant is classified as likely benign based on ACMG/AMP sequence variant interpretation guidelines (Richards et al. 2015 PMID: 25741868, with internal and published modifications).